The following is an entry in ClinVar:

NM_015937.6(PIGT):c.367G>T (p.Val123Leu)

Gene: PIGT (phosphatidylinositol glycan anchor biosynthesis class T; plus strand). Cytogenetic location: 20q13.12.
Variant type: single nucleotide variant.
Coding change: c.367G>T on transcript NM_015937.6 (MANE Select); coding-DNA position 367, G replaced by T.
Protein change: p.Val123Leu; replaces valine 123 with leucine.
Molecular consequence: missense variant. On other transcripts: non-coding transcript variant (3), intron variant (2).
Genome position (GRCh38, 1-based): chr20:45,418,853, G>T. VCF-style: chr20-45418853-G-T. GRCh37 (hg19) VCF-style: chr20-44047493-G-T.
Other names: c.367G>T, p.Val123Leu (NM_001184729.3); c.326-442G>T (NM_001184728.3); c.188-442G>T (NM_001184730.3); short protein forms V123L.
Identifiers: ClinVar variation 252704 (VCV000252704.54), dbSNP rs141420243, ClinGen allele CA9877867.

ClinVar aggregate classification (germline): Benign/Likely benign. Review status: criteria provided, multiple submitters, no conflicts (2 of 4 stars). 10 submissions from 10 submitters: Benign (1); Likely benign (6). 3 of the submissions do not count toward it. Last evaluated 2026-08-01.

Conditions:
PIGT-related disorder.
Multiple congenital anomalies-hypotonia-seizures syndrome 3 (MCAHS3). Also called: GLYCOSYLPHOSPHATIDYLINOSITOL BIOSYNTHESIS DEFECT 7. Identifiers: Orphanet 369837, MedGen C3809356, MONDO:0014165, OMIM 615398.

Allele frequency attached by ClinVar (database versions not stated): 1000 Genomes Project 0.00300; 1000 Genomes Project 30x 0.00312; ExAC 0.00521; ESP Exome Variant Server 0.00523; gnomAD 0.00595 and 0.00626; TOPMed 0.00613.

Submissions (10):

CeGaT Center for Human Genetics Tuebingen
Classification: Likely benign. Last evaluated: 2026-08-01. Review status: criteria provided, single submitter. Criteria: CeGaT Center For Human Genetics Tuebingen Variant Classification Criteria Version 2. Collection method: clinical testing. Allele origin: germline. Affected: yes. Observed: 21 variant alleles.
Comment: PIGT: BS2

Labcorp Genetics (formerly Invitae), Labcorp
Classification: Likely benign for Multiple congenital anomalies-hypotonia-seizures syndrome 3. Last evaluated: 2026-01-28. Review status: criteria provided, single submitter. Criteria: Invitae Variant Classification Sherloc (09022015). Collection method: clinical testing. Allele origin: germline.

GeneDx
Classification: Likely benign. Last evaluated: 2021-03-08. Review status: criteria provided, single submitter. Criteria: GeneDx Variant Classification Process June 2021. Collection method: clinical testing. Allele origin: germline. Affected: yes.

Mendelics
Classification: Likely benign for Multiple congenital anomalies-hypotonia-seizures syndrome 3. Last evaluated: 2019-05-28. Review status: criteria provided, single submitter. Criteria: Mendelics Assertion Criteria 2017. Collection method: clinical testing. Allele origin: unknown.

Center for Pediatric Genomic Medicine, Children's Mercy Hospital and Clinics
Classification: Likely benign. Last evaluated: 2016-06-23. Review status: criteria provided, single submitter. Criteria: ACMG Guidelines, 2015. Collection method: clinical testing. Allele origin: germline.
ClinVar note: Converted during submission from Likely Benign to Likely benign.

Genomic Diagnostic Laboratory, Division of Genomic Diagnostics, Children's Hospital of Philadelphia
Classification: Benign. Last evaluated: 2015-10-16. Review status: criteria provided, single submitter. Criteria: DGD Variant Analysis Guidelines. Collection method: clinical testing. Allele origin: unknown.

Breakthrough Genomics
Classification: Likely benign. Review status: criteria provided, single submitter. Criteria: ACMG Guidelines, 2015. Collection method: not provided. Allele origin: germline. Inheritance: Autosomal recessive inheritance. Affected: yes.

PreventionGenetics, part of Exact Sciences
Classification: Benign for PIGT-related condition. Last evaluated: 2024-07-01. Review status: no assertion criteria provided. Collection method: clinical testing. Allele origin: germline. Not counted in ClinVar's aggregate classification.
Comment: This variant is classified as benign based on ACMG/AMP sequence variant interpretation guidelines (Richards et al. 2015 PMID: 25741868, with internal and published modifications).

Clinical Genetics DNA and cytogenetics Diagnostics Lab, Erasmus MC, Erasmus Medical Center
Classification: Likely benign. Review status: no assertion criteria provided. Collection method: clinical testing. Allele origin: germline. Affected: yes. Study: VKGL Data-share Consensus. Not counted in ClinVar's aggregate classification.

Genome Diagnostics Laboratory, University Medical Center Utrecht
Classification: Likely benign. Review status: no assertion criteria provided. Collection method: clinical testing. Allele origin: germline. Affected: yes. Study: VKGL Data-share Consensus. Not counted in ClinVar's aggregate classification.